The following is an entry in ClinVar:

NM_001127222.2(CACNA1A):c.50C>T (p.Ser17Phe)

Gene: CACNA1A (calcium voltage-gated channel subunit alpha1 A; minus strand). Cytogenetic location: 19p13.13.
Variant type: single nucleotide variant.
Coding change: c.50C>T on transcript NM_001127222.2 (MANE Select); coding-DNA position 50, C replaced by T.
Protein change: p.Ser17Phe; replaces serine 17 with phenylalanine.
Molecular consequence: missense variant.
Genome position (GRCh38, 1-based): chr19:13,506,175, G>A on the plus strand (C>T on the coding strand, the complement: CACNA1A is on the minus strand). VCF-style: chr19-13506175-G-A. GRCh37 (hg19) VCF-style: chr19-13616989-G-A.
Other names: c.50C>T, p.Ser17Phe (NM_000068.4, NM_001127221.2, NM_001174080.2 and 1 more transcripts); short protein forms S17F.
Identifiers: ClinVar variation 3365264 (VCV003365264.1).

ClinVar aggregate classification (germline): Uncertain significance (1 of 4 stars; one submission).

Submission:

GeneDx
Classification: Uncertain significance. Last evaluated: 2023-12-02. Review status: criteria provided, single submitter. Criteria: GeneDx Variant Classification Process June 2021. Collection method: clinical testing. Allele origin: germline. Affected: yes.
Comment: Not observed at significant frequency in large population cohorts (gnomAD); In silico analysis supports that this missense variant does not alter protein structure/function; Has not been previously published as pathogenic or benign to our knowledge